The following is an entry in ClinVar:

ClinVar aggregate classification (germline): Conflicting classifications of pathogenicity. Review status: criteria provided, conflicting classifications (1 of 4 stars). 10 submissions from 10 submitters: Uncertain significance (1); Benign (2); Likely benign (5). 2 of the submissions do not count toward it. Last evaluated 2026-07-01.

Conditions:
Amyotrophic lateral sclerosis, susceptibility to, 24. Identifiers: MedGen C4693523, MONDO:0054750, OMIM 617892.
Motor neuron disease. Also called: Motor neuron disorder; Degenerative motor system disease. Identifiers: Orphanet 98503, MedGen C0085084, MONDO:0020128.
NEK1-related disorder. Also called: NEK1-related condition.
Short-rib thoracic dysplasia 6 with or without polydactyly (SRTD6). Also called: SHORT-RIB THORACIC DYSPLASIA 6 WITH POLYDACTYLY; SHORT-RIB THORACIC DYSPLASIA 6 WITHOUT POLYDACTYLY; POLYDACTYLY WITH NEONATAL CHONDRODYSTROPHY, TYPE II; Majewski Syndrome; SHORT RIB-POLYDACTYLY SYNDROME, TYPE IIA. Identifiers: MedGen C0024507, MONDO:0009894, OMIM 263520.

Allele frequency attached by ClinVar (database versions not stated): 1000 Genomes Project 0.00080; 1000 Genomes Project 30x 0.00109; gnomAD 0.00216; TOPMed 0.00232; ESP Exome Variant Server 0.00288.
gnomAD v4.1: 4,282 of 1,613,048 alleles (0.27%); highest among the groups gnomAD compares: Non-Finnish European, 0.33%; 11 homozygotes.

Submissions (10):

CeGaT Center for Human Genetics Tuebingen
Classification: Likely benign. Last evaluated: 2026-07-01. Review status: criteria provided, single submitter. Criteria: CeGaT Center For Human Genetics Tuebingen Variant Classification Criteria Version 2. Collection method: clinical testing. Allele origin: germline. Affected: yes. Observed: 9 variant alleles.
Comment: NEK1: BS2

Labcorp Genetics (formerly Invitae), Labcorp
Classification: Benign for Short-rib thoracic dysplasia 6 with or without polydactyly. Last evaluated: 2026-01-12. Review status: criteria provided, single submitter. Criteria: Invitae Variant Classification Sherloc (09022015). Collection method: clinical testing. Allele origin: germline.

ARUP Laboratories, Molecular Genetics and Genomics, ARUP Laboratories
Classification: Benign. Last evaluated: 2025-06-26. Review status: criteria provided, single submitter. Criteria: ARUP Molecular Germline Variant Investigation Process 2024. Collection method: clinical testing. Allele origin: germline.

Blueprint Genetics
Classification: Likely benign. Last evaluated: 2024-11-22. Review status: criteria provided, single submitter. Criteria: ACMG Guidelines, 2015. Collection method: clinical testing. Allele origin: germline.

Centre for Genomic and Experimental Medicine, University of Edinburgh
Classification: Uncertain significance for Motor neuron disease. Last evaluated: 2024-02-15. Review status: criteria provided, single submitter. Criteria: Submitter's publication. Collection method: case-control. Allele origin: unknown. Affected: yes and no. Observed: 7 heterozygotes.

GeneDx
Classification: Likely benign. Last evaluated: 2018-03-01. Review status: criteria provided, single submitter. Criteria: GeneDx Variant Classification (06012015). Collection method: clinical testing. Allele origin: germline. Affected: yes.
Comment: This variant is considered likely benign or benign based on one or more of the following criteria: it is a conservative change, it occurs at a poorly conserved position in the protein, it is predicted to be benign by multiple in silico algorithms, and/or has population frequency not consistent with disease.

Illumina Laboratory Services, Illumina
Classification: Likely benign for Short-rib thoracic dysplasia 6 with or without polydactyly. Last evaluated: 2018-01-13. Review status: criteria provided, single submitter. Criteria: ICSL Variant Classification Criteria 13 December 2019. Collection method: clinical testing. Allele origin: germline.
Comment: This variant was observed in the ICSL laboratory as part of a predisposition screen in an ostensibly healthy population. It had not been previously curated by ICSL or reported in the Human Gene Mutation Database (HGMD: prior to June 1st, 2018), and was therefore a candidate for classification through an automated scoring system. Utilizing variant allele frequency, disease prevalence and penetrance estimates, and inheritance mode, an automated score was calculated to assess if this variant is too frequent to cause the disease. Based on the score and internal cut-off values, a variant classified as likely benign is not then subjected to further curation. The score for this variant resulted in a classification of likely benign for this disease.

Eurofins Ntd Llc (ga)
Classification: Likely benign. Last evaluated: 2014-12-15. Review status: criteria provided, single submitter. Criteria: EGL Classification Definitions 2015. Collection method: clinical testing. Allele origin: germline. Observed: 1 variant allele, 1 heterozygote.

PreventionGenetics, part of Exact Sciences
Classification: Likely benign for NEK1-related condition. Last evaluated: 2021-02-04. Review status: no assertion criteria provided. Collection method: clinical testing. Allele origin: germline. Not counted in ClinVar's aggregate classification.
Comment: This variant is classified as likely benign based on ACMG/AMP sequence variant interpretation guidelines (Richards et al. 2015 PMID: 25741868, with internal and published modifications).

OMIM
Classification: risk factor for AMYOTROPHIC LATERAL SCLEROSIS, SUSCEPTIBILITY TO, 24. Last evaluated: 2018-02-28. Review status: no assertion criteria provided. Collection method: literature only. Allele origin: germline. Not counted in ClinVar's aggregate classification.

Literature cited by the submitters: PubMed 28089114 (cited by Centre for Genomic and Experimental Medicine, University of Edinburgh); PubMed 27455347 (cited by OMIM).

NM_001199397.3(NEK1):c.782G>A (p.Arg261His)

Gene: NEK1 (NIMA related kinase 1; minus strand). Cytogenetic location: 4q33.
Variant type: single nucleotide variant.
Coding change: c.782G>A on transcript NM_001199397.3 (MANE Select); coding-DNA position 782, G replaced by A.
Protein change: p.Arg261His; replaces arginine 261 with histidine.
Molecular consequence: missense variant. On other transcripts: non-coding transcript variant (2).
Genome position (GRCh38, 1-based): chr4:169,585,374, C>T on the plus strand (G>A on the coding strand, the complement: NEK1 is on the minus strand). VCF-style: chr4-169585374-C-T. GRCh37 (hg19) VCF-style: chr4-170506525-C-T.
Other names: c.782G>A, p.Arg261His (NM_001199398.3, NM_001199399.3, NM_001199400.3 and 7 more transcripts); short protein forms R261H.
Identifiers: ClinVar variation 199125 (VCV000199125.70), dbSNP rs200161705, ClinGen allele CA203762.